The following is an entry in ClinVar:

ClinVar aggregate classification (germline): Uncertain significance (1 of 4 stars; one submission).

Conditions:
Severe combined immunodeficiency due to DNA-PKcs deficiency. Also called: IMMUNODEFICIENCY 26 WITH NEUROLOGIC ABNORMALITIES; Immunodeficiency 26 with or without neurologic abnormalities. Identifiers: Orphanet 317425, MedGen C4014833, MONDO:0014423, OMIM 615966.

Submission:

Labcorp Genetics (formerly Invitae), Labcorp
Classification: Uncertain significance for Severe combined immunodeficiency due to DNA-PKcs deficiency. Last evaluated: 2022-04-28. Review status: criteria provided, single submitter. Criteria: Invitae Variant Classification Sherloc (09022015). Collection method: clinical testing. Allele origin: germline.
Comment: In summary, the available evidence is currently insufficient to determine the role of this variant in disease. Therefore, it has been classified as a Variant of Uncertain Significance. Experimental studies and prediction algorithms are not available or were not evaluated, and the functional significance of this variant is currently unknown. This variant has not been reported in the literature in individuals affected with PRKDC-related conditions. This variant is not present in population databases (gnomAD no frequency). This sequence change replaces glycine, which is neutral and non-polar, with aspartic acid, which is acidic and polar, at codon 2879 of the PRKDC protein (p.Gly2879Asp).

NM_006904.7(PRKDC):c.8636G>A (p.Gly2879Asp)

Genes: PRKDC (protein kinase, DNA-activated, catalytic subunit; minus strand), LOC121740717 (Sharpr-MPRA regulatory region 7649; plus strand). Cytogenetic location: 8q11.21.
Variant type: single nucleotide variant.
Coding change: c.8636G>A on transcript NM_006904.7 (MANE Select); coding-DNA position 8636, G replaced by A.
Protein change: p.Gly2879Asp; replaces glycine 2879 with aspartic acid.
Molecular consequence: missense variant.
Genome position (GRCh38, 1-based): chr8:47,826,803, C>T on the plus strand (G>A on the coding strand, the complement: PRKDC is on the minus strand). VCF-style: chr8-47826803-C-T. GRCh37 (hg19) VCF-style: chr8-48739364-C-T.
Other names: c.8636G>A, p.Gly2879Asp (NM_001081640.2); short protein forms G2879D.
Identifiers: ClinVar variation 2112995 (VCV002112995.4), dbSNP rs2551866153, ClinGen allele CA371144021.